The following is an entry in ClinVar:

NM_004100.5(EYA4):c.1410dup (p.Val471fs)

Genes: TARID (TCF21 antisense RNA inducing promoter demethylation; minus strand), EYA4 (EYA transcriptional coactivator and phosphatase 4; plus strand). Cytogenetic location: 6q23.2.
Variant type: Duplication.
Coding change: c.1410dup on transcript NM_004100.5 (MANE Select); coding-DNA position 1410, one base duplicated (T; older notation c.1410dupT).
Protein change: p.Val471fs; shifts the reading frame from valine 471.
Molecular consequence: frameshift variant.
Genome position (GRCh38, 1-based): chr6:133,512,947, T duplicated. VCF-style (leftmost placement, unchanged base first): chr6-133512946-G-GT. GRCh37 (hg19) VCF-style: chr6-133834084-G-GT.
Other names: c.1248dup, p.Val417fs (NM_001301012.2); c.1428dup, p.Val477fs (NM_001301013.2); c.1341dup, p.Val448fs (NM_001370458.1, NM_172103.4); c.1266dup, p.Val423fs (NM_001370459.1); c.1410dup, p.Val471fs (NM_172105.4); short protein forms V477fs, V417fs, V423fs, V448fs, V471fs.
Identifiers: ClinVar variation 4728278 (VCV004728278.1).

ClinVar aggregate classification (germline): Pathogenic (1 of 4 stars; one submission).

Conditions:
Dilated cardiomyopathy 1J (CMD1J). Also called: CARDIOMYOPATHY, DILATED, WITH SENSORINEURAL HEARING LOSS, AUTOSOMAL DOMINANT. Identifiers: Orphanet 217622, MedGen C1854368, MONDO:0011541, OMIM 605362.

Submission:

Labcorp Genetics (formerly Invitae), Labcorp
Classification: Pathogenic for Dilated cardiomyopathy 1J. Last evaluated: 2025-10-01. Review status: criteria provided, single submitter. Criteria: Invitae Variant Classification Sherloc (09022015). Collection method: clinical testing. Allele origin: germline.
Comment: This sequence change creates a premature translational stop signal (p.Val471Cysfs*6) in the EYA4 gene. It is expected to result in an absent or disrupted protein product. Loss-of-function variants in EYA4 are known to be pathogenic (PMID: 11159937, 25781927, 25963406). This variant is not present in population databases (gnomAD no frequency). This variant has not been reported in the literature in individuals affected with EYA4-related conditions. For these reasons, this variant has been classified as Pathogenic.

Literature cited by the submitters: PubMed 11159937; PubMed 25781927; PubMed 25963406.